The following is an entry in ClinVar:

NM_006767.4(LZTR1):c.962G>A (p.Trp321Ter)

Gene: LZTR1 (leucine zipper like post translational regulator 1; plus strand). Cytogenetic location: 22q11.21.
Variant type: single nucleotide variant.
Coding change: c.962G>A on transcript NM_006767.4 (MANE Select); coding-DNA position 962, G replaced by A.
Protein change: p.Trp321Ter; replaces tryptophan 321 with a stop codon.
Molecular consequence: nonsense.
Genome position (GRCh38, 1-based): chr22:20,991,798, G>A. VCF-style: chr22-20991798-G-A. GRCh37 (hg19) VCF-style: chr22-21346087-G-A.
Other names: short protein forms W321*.
Identifiers: ClinVar variation 3869232 (VCV003869232.1).

ClinVar aggregate classification (germline): Pathogenic (1 of 4 stars; one submission).

Conditions:
Hereditary cancer-predisposing syndrome. Also called: Hereditary neoplastic syndrome; Neoplastic Syndromes, Hereditary; Tumor predisposition; Hereditary Cancer Syndrome. Identifiers: Orphanet 140162, MedGen C0027672, MeSH D009386, MONDO:0015356.
Cardiovascular phenotype. Identifiers: MedGen CN230736.

gnomAD v4.1: 1 of 1,551,674 alleles (0.000064%); highest among the groups gnomAD compares: South Asian, 0.0012%; no homozygotes.

Submission:

Ambry Genetics
Classification: Pathogenic for Cardiovascular phenotype; Hereditary cancer-predisposing syndrome. Last evaluated: 2025-03-03. Review status: criteria provided, single submitter. Criteria: Ambry Variant Classification Scheme 2023. Collection method: clinical testing. Allele origin: germline.
Comment: The p.W321* pathogenic mutation (also known as c.962G>A), located in coding exon 9 of the LZTR1 gene, results from a G to A substitution at nucleotide position 962. This changes the amino acid from a tryptophan to a stop codon within coding exon 9. This variant is considered to be rare based on population cohorts in the Genome Aggregation Database (gnomAD). This alteration is expected to result in loss of function by premature protein truncation or nonsense-mediated mRNA decay. Loss-of-function variants in LZTR1 are related to an increased risk for schwannomas and autosomal recessive Noonan syndrome; however, such associations with autosomal dominant Noonan syndrome have not been observed (Piotrowski A et al. Nat Genet. 2014 Feb;46:182-7; Yamamoto GL et al. J Med Genet. 2015 Jun;52:413-21; Johnston JJ et al. Genet Med. 2018 10;20:1175-1185). Based on the supporting evidence, this variant is pathogenic for an increased risk of LZTR1-related schwannomatosis (SWN) and would be expected to cause autosomal recessive Noonan syndrome when present along with a second pathogenic or likely pathogenic variant on the other allele; however, the association of this alteration with autosomal dominant Noonan syndrome is unlikely.